The following is an entry in ClinVar:

ClinVar aggregate classification (germline): Pathogenic (1 of 4 stars; one submission).

Conditions:
Fabry disease. Also called: Fabry's disease; ALPHA-GALACTOSIDASE A DEFICIENCY; ANDERSON-FABRY DISEASE; CERAMIDE TRIHEXOSIDASE DEFICIENCY; GLA DEFICIENCY; HEREDITARY DYSTOPIC LIPIDOSIS. Identifiers: Orphanet 324, MedGen C0002986, MONDO:0010526, OMIM 301500, HP:0001071. Disease mechanism: Fabry disease is due to inactivating mutations in the X-linked GLA gene resulting in deficiency of the enzyme Alpha Galactosidase-A., loss of function.

Submission:

Genomenon, Inc
Classification: Pathogenic for Fabry disease. Last evaluated: 2026-09-08. Review status: criteria provided, single submitter. Criteria: Genomenon Sequence Variant Interpretation Standards - Updated. Collection method: curation. Allele origin: germline. Affected: yes.
Comment: GLA p.Glu79LysfsTer42 (c.234del) is a frameshift variant that is predicted to introduce a premature termination codon and result in a truncated or absent protein product. This variant has been observed in at least one proband with clinical features consistent with Fabry disease (PMID:41204227). It is absent or not present at a significant frequency in gnomAD. In conclusion, we classify GLA p.Glu79LysfsTer42 (c.234del) as a pathogenic variant.

Literature cited by the submitters: PubMed 41204227.

NM_000169.3(GLA):c.234del (p.Glu79fs)

Genes: GLA (galactosidase alpha; minus strand), RPL36A-HNRNPH2 (RPL36A-HNRNPH2 readthrough; plus strand). Cytogenetic location: Xq22.1.
Variant type: Deletion.
Coding change: c.234del on transcript NM_000169.3 (MANE Select); coding-DNA position 234, one base deleted (A; older notation c.234delA).
Protein change: p.Glu79fs; shifts the reading frame from glutamic acid 79.
Molecular consequence: frameshift variant. On other transcripts: non-coding transcript variant (3), intron variant (2).
Genome position (GRCh38, 1-based): chrX:101,403,946, T deleted on the plus strand (A on the coding strand, the reverse complement: GLA is on the minus strand). VCF-style (leftmost placement, unchanged base first): chrX-101403945-CT-C. GRCh37 (hg19) VCF-style: chrX-100658933-CT-C.
Other names: c.357del, p.Glu120fs (NM_001406747.1, NM_001406749.1); c.234del, p.Glu79fs (NM_001406748.1); c.301-7990del (NM_001199973.2); c.178-7990del (NM_001199974.2); short protein forms E120fs, E79fs.
Identifiers: ClinVar variation 4974872 (VCV004974872.1).
Genomic context (GRCh38, chrX:101,403,945, plus strand): 5'-GGGGAGCCATCCAACAGTCATCAATGCAGAGGTACTCATAACCTGCATCCTTCCAGCCTT[CT>C]GAGACCATGAGCTCTGCCATCTCCATGAAGAGCTTCTCACTGAAAGAGAAATTCCAATAA-3'